The following is an entry in ClinVar:

NM_001081.4(CUBN):c.9206C>T (p.Thr3069Ile)

Gene: CUBN (cubilin; minus strand). Cytogenetic location: 10p13.
Variant type: single nucleotide variant.
Coding change: c.9206C>T on transcript NM_001081.4 (MANE Select); coding-DNA position 9206, C replaced by T.
Protein change: p.Thr3069Ile; replaces threonine 3069 with isoleucine.
Molecular consequence: missense variant.
Genome position (GRCh38, 1-based): chr10:16,874,404, G>A on the plus strand (C>T on the coding strand, the complement: CUBN is on the minus strand). VCF-style: chr10-16874404-G-A. GRCh37 (hg19) VCF-style: chr10-16916403-G-A.
Other names: short protein forms T3069I.
Identifiers: ClinVar variation 697027 (VCV000697027.14), dbSNP rs117400821, ClinGen allele CA5422789.

ClinVar aggregate classification (germline): Benign/Likely benign. Review status: criteria provided, multiple submitters, no conflicts (2 of 4 stars). 4 submissions from 4 submitters: Benign (2); Likely benign (1). 1 of the submissions does not count toward it. Last evaluated 2026-01-21.

Conditions:
CUBN-related disorder. Also called: CUBN-related condition.
Imerslund-Grasbeck syndrome. Also called: ENTEROCYTE COBALAMIN MALABSORPTION; ENTEROCYTE INTRINSIC FACTOR RECEPTOR, DEFECT OF; Megaloblastic anemia due to inborn errors of metabolism; PERNICIOUS ANEMIA, JUVENILE, DUE TO SELECTIVE INTESTINAL MALABSORPTION OF VITAMIN B12, WITH PROTEINURIA; Imerslund-Gräsbeck syndrome. Identifiers: Orphanet 35858, MedGen C4551825, MONDO:0009853.

Allele frequency attached by ClinVar (database versions not stated): ExAC 0.00178; gnomAD exomes 0.00203 and 0.00065; 1000 Genomes Project 30x 0.00375; 1000 Genomes Project 0.00459; gnomAD 0.00091 and 0.00114; TOPMed 0.00147.
gnomAD v4.1: 1,192 of 1,614,122 alleles (0.074%); highest among the groups gnomAD compares: East Asian, 1.7%; 7 homozygotes.

Submissions (4):

Labcorp Genetics (formerly Invitae), Labcorp
Classification: Benign for Imerslund-Grasbeck syndrome. Last evaluated: 2026-01-21. Review status: criteria provided, single submitter. Criteria: Invitae Variant Classification Sherloc (09022015). Collection method: clinical testing. Allele origin: germline.

Blueprint Genetics
Classification: Likely benign. Last evaluated: 2024-11-25. Review status: criteria provided, single submitter. Criteria: ACMG Guidelines, 2015. Collection method: clinical testing. Allele origin: germline.

Breakthrough Genomics
Classification: Benign. Review status: criteria provided, single submitter. Criteria: ACMG Guidelines, 2015. Collection method: not provided. Allele origin: germline. Inheritance: Autosomal recessive inheritance. Affected: yes.

PreventionGenetics, part of Exact Sciences
Classification: Benign for CUBN-related condition. Last evaluated: 2019-05-22. Review status: no assertion criteria provided. Collection method: clinical testing. Allele origin: germline. Not counted in ClinVar's aggregate classification.
Comment: This variant is classified as benign based on ACMG/AMP sequence variant interpretation guidelines (Richards et al. 2015 PMID: 25741868, with internal and published modifications).